The following is an entry in ClinVar:

ClinVar aggregate classification (germline): Conflicting classifications of pathogenicity. Review status: criteria provided, conflicting classifications (1 of 4 stars). 3 submissions from 3 submitters: Uncertain significance (2); Likely benign (1). Last evaluated 2025-12-29.

Conditions:
RPGR-related disorder. Also called: RPGR-related condition.
Primary ciliary dyskinesia. Also called: Ciliary dyskinesia. Identifiers: Orphanet 244, MedGen C0008780, MONDO:0016575, HP:0012265.

Submissions (3):

PreventionGenetics, part of Exact Sciences
Classification: Likely benign for RPGR-related condition. Last evaluated: 2025-12-29. Review status: criteria provided, single submitter. Criteria: ACMG Guidelines, 2015. Collection method: clinical testing. Allele origin: germline.
Comment: This variant is classified as likely benign based on ACMG/AMP sequence variant interpretation guidelines (Richards et al. 2015 PMID: 25741868, with internal and published modifications).

Labcorp Genetics (formerly Invitae), Labcorp
Classification: Uncertain significance for Primary ciliary dyskinesia. Last evaluated: 2023-12-22. Review status: criteria provided, single submitter. Criteria: Invitae Variant Classification Sherloc (09022015). Collection method: clinical testing. Allele origin: germline.
Comment: This variant, c.2927_2941del, results in the deletion of 5 amino acid(s) of the RPGR (ORF15) protein (p.Glu976_Glu980del), but otherwise preserves the integrity of the reading frame. This variant is not present in population databases (gnomAD no frequency). This variant has not been reported in the literature in individuals affected with RPGR (ORF15)-related conditions. Experimental studies and prediction algorithms are not available or were not evaluated, and the functional significance of this variant is currently unknown. In summary, the available evidence is currently insufficient to determine the role of this variant in disease. Therefore, it has been classified as a Variant of Uncertain Significance.

Blueprint Genetics
Classification: Uncertain significance. Last evaluated: 2023-11-15. Review status: criteria provided, single submitter. Criteria: ACMG Guidelines, 2015. Collection method: clinical testing. Allele origin: germline.

NM_001034853.2(RPGR):c.2927_2941del (p.971EGEGE[1])

Gene: RPGR (retinitis pigmentosa GTPase regulator; minus strand). Cytogenetic location: Xp11.4.
Variant type: Deletion.
Coding change: c.2927_2941del on transcript NM_001034853.2 (MANE Select); coding-DNA positions 2927 to 2941, 15 bases deleted (AAGGAGAAGGGGAGG).
Protein change: p.971EGEGE[1].
Molecular consequence: inframe deletion. On other transcripts: intron variant (8).
Genome position (GRCh38, 1-based): chrX:38,286,058-38,286,072, CCTCCCCTTCTCCTT deleted on the plus strand (AAGGAGAAGGGGAGG on the coding strand, the reverse complement: RPGR is on the minus strand); deleting any 15 consecutive bases within chrX:38,286,058-38,286,082 gives the same sequence; the c. name uses the placement nearest the transcript's 3' end. VCF-style (leftmost placement, unchanged base first): chrX-38286057-CCCTCCCCTTCTCCTT-C. GRCh37 (hg19) VCF-style: chrX-38145310-CCCTCCCCTTCTCCTT-C.
Other names: c.1569+4887_1569+4901del (NM_001367249.1, NM_001367250.1); c.1902+1022_1902+1036del (NM_001367245.1); c.1386+4887_1386+4901del (NM_001367251.1); c.1719+1022_1719+1036del (NM_001367246.1); c.1572+4887_1572+4901del (NM_001367247.1); c.1905+1022_1905+1036del (NM_000328.3); c.1602+4887_1602+4901del (NM_001367248.1); c.2927_2941del15 (NM_001034853.1).
Identifiers: ClinVar variation 2720765 (VCV002720765.4), dbSNP rs1486850638, ClinGen allele CA515709084.